The following is an entry in ClinVar:

ClinVar aggregate classification (germline): Uncertain significance (1 of 4 stars; one submission).

Conditions:
Charcot-Marie-Tooth disease dominant intermediate B (CMTDIB). Also called: CHARCOT-MARIE-TOOTH NEUROPATHY, DOMINANT INTERMEDIATE B; Charcot-Marie-Tooth disease dominant intermediate 1; CMT DI1; Charcot-Marie-Tooth disease dominant intermediate I. Identifiers: Orphanet 100044, Orphanet 228179, MedGen C1847902, MONDO:0011674, OMIM 606482.

Allele frequency attached by ClinVar (database versions not stated): TOPMed below 0.00001; ExAC 0.00001; gnomAD exomes 0.00001.
gnomAD v4.1: 4 of 1,610,646 alleles (0.00025%); highest among the groups gnomAD compares: Admixed American, 0.0067%; no homozygotes.

Submission:

Labcorp Genetics (formerly Invitae), Labcorp
Classification: Uncertain significance for Charcot-Marie-Tooth disease dominant intermediate B. Last evaluated: 2024-02-24. Review status: criteria provided, single submitter. Criteria: Invitae Variant Classification Sherloc (09022015). Collection method: clinical testing. Allele origin: germline.
Comment: This sequence change replaces isoleucine, which is neutral and non-polar, with phenylalanine, which is neutral and non-polar, at codon 861 of the DNM2 protein (p.Ile861Phe). This variant is present in population databases (rs765477689, gnomAD 0.009%). This variant has not been reported in the literature in individuals affected with DNM2-related conditions. ClinVar contains an entry for this variant (Variation ID: 2196514). Advanced modeling of protein sequence and biophysical properties (such as structural, functional, and spatial information, amino acid conservation, physicochemical variation, residue mobility, and thermodynamic stability) has been performed at Invitae for this missense variant, however the output from this modeling did not meet the statistical confidence thresholds required to predict the impact of this variant on DNM2 protein function. In summary, the available evidence is currently insufficient to determine the role of this variant in disease. Therefore, it has been classified as a Variant of Uncertain Significance.

NM_001005361.3(DNM2):c.2581A>T (p.Ile861Phe)

Gene: DNM2 (dynamin 2; plus strand). Cytogenetic location: 19p13.2.
Variant type: single nucleotide variant.
Coding change: c.2581A>T on transcript NM_001005361.3 (MANE Select); coding-DNA position 2581, A replaced by T.
Protein change: p.Ile861Phe; replaces isoleucine 861 with phenylalanine.
Molecular consequence: missense variant.
Genome position (GRCh38, 1-based): chr19:10,831,015, A>T. VCF-style: chr19-10831015-A-T. GRCh37 (hg19) VCF-style: chr19-10941691-A-T.
Other names: c.2581A>T, p.Ile861Phe (NM_001005360.3); c.2569A>T, p.Ile857Phe (NM_001005362.3, NM_004945.4); c.2578A>T, p.Ile860Phe (NM_001190716.2); short protein forms I860F, I861F, I857F.
Identifiers: ClinVar variation 2196514 (VCV002196514.4), dbSNP rs765477689, ClinGen allele CA9201668.